The following is an entry in ClinVar:

NM_005188.4(CBL):c.1366G>T (p.Asp456Tyr)

Gene: CBL (Cbl proto-oncogene; plus strand). Cytogenetic location: 11q23.3.
Variant type: single nucleotide variant.
Coding change: c.1366G>T on transcript NM_005188.4 (MANE Select); coding-DNA position 1366, G replaced by T.
Protein change: p.Asp456Tyr; replaces aspartic acid 456 with tyrosine.
Molecular consequence: missense variant.
Genome position (GRCh38, 1-based): chr11:119,278,648, G>T. VCF-style: chr11-119278648-G-T. GRCh37 (hg19) VCF-style: chr11-119149358-G-T.
Other names: short protein forms D456Y.
Identifiers: ClinVar variation 280227 (VCV000280227.3), dbSNP rs886041472, ClinGen allele CA10603148.

ClinVar aggregate classification (germline): Uncertain significance. Review status: criteria provided, multiple submitters, no conflicts (2 of 4 stars). 2 submissions from 2 submitters: Uncertain significance (2). Last evaluated 2025-06-30.

Conditions:
Cardiovascular phenotype. Identifiers: MedGen CN230736.

Allele frequency attached by ClinVar (database versions not stated): gnomAD exomes below 0.00001 and 0.00001.
gnomAD v4.1: 8 of 1,577,104 alleles (0.00051%); highest among the groups gnomAD compares: Admixed American, 0.0017%; no homozygotes.

Submissions (2):

Ambry Genetics
Classification: Uncertain significance for Cardiovascular phenotype. Last evaluated: 2025-06-30. Review status: criteria provided, single submitter. Criteria: Ambry Variant Classification Scheme 2023. Collection method: clinical testing. Allele origin: germline.
Comment: The p.D456Y variant (also known as c.1366G>T), located in coding exon 9 of the CBL gene, results from a G to T substitution at nucleotide position 1366. The aspartic acid at codon 456 is replaced by tyrosine, an amino acid with highly dissimilar properties. This amino acid position is conserved. In addition, the in silico prediction for this alteration is inconclusive. Based on the available evidence, the clinical significance of this variant remains unclear.

GeneDx
Classification: Uncertain significance. Last evaluated: 2015-12-28. Review status: criteria provided, single submitter. Criteria: GeneDx Variant Classification (06012015). Collection method: clinical testing. Allele origin: germline. Affected: yes.
Comment: The D456Y variant has not been published as a pathogenic variant, nor has it been reported as a benign variant to our knowledge. The variant was not observed in approximately 6,500 individuals of European and African American ancestry in the NHLBI Exome Sequencing Project, indicating it is not a common benign variant in these populations. D456Y is a non-conservative amino acid substitution, which is likely to impact secondary protein structure as these residues differ in polarity, charge, size and/or other properties. This substitution occurs at a position where amino acids with similar properties to Aspartic acid are tolerated across species, and in silico analysis predicts this variant is probably damaging to the protein structure/function. Therefore, based on the currently available information, it is unclear whether this variant is a pathogenic variant or a rare benign variant.